The following is an entry in ClinVar:

NM_007194.4(CHEK2):c.1085G>A (p.Cys362Tyr)

Gene: CHEK2 (checkpoint kinase 2; minus strand). Cytogenetic location: 22q12.1.
Variant type: single nucleotide variant.
Coding change: c.1085G>A on transcript NM_007194.4 (MANE Select); coding-DNA position 1085, G replaced by A.
Protein change: p.Cys362Tyr; replaces cysteine 362 with tyrosine.
Molecular consequence: missense variant. On other transcripts: intron variant (3).
Genome position (GRCh38, 1-based): chr22:28,696,911, C>T on the plus strand (G>A on the coding strand, the complement: CHEK2 is on the minus strand). VCF-style: chr22-28696911-C-T. GRCh37 (hg19) VCF-style: chr22-29092899-C-T.
Other names: c.1214G>A, p.Cys405Tyr (NM_001005735.3); c.422G>A, p.Cys141Tyr (NM_001257387.3, NM_001437942.1); c.884G>A, p.Cys295Tyr (NM_001349956.3); c.1178G>A, p.Cys393Tyr (NM_001438293.1); c.1009-1038G>A (NM_145862.3); c.1102-1038G>A (NM_001438295.1); c.1138-1038G>A (NM_001438294.1); short protein forms C362Y, C405Y, C295Y, C141Y, C393Y.
Identifiers: ClinVar variation 218157 (VCV000218157.13), dbSNP rs767306337, ClinGen allele CA210466.

ClinVar aggregate classification (germline): Uncertain significance. Review status: criteria provided, multiple submitters, no conflicts (2 of 4 stars). 3 submissions from 3 submitters: Uncertain significance (2). 1 of the submissions does not count toward it. Last evaluated 2025-05-27.

Conditions:
Hereditary cancer-predisposing syndrome. Also called: Hereditary Cancer Syndrome; Hereditary neoplastic syndrome; Neoplastic Syndromes, Hereditary; Tumor predisposition. Identifiers: Orphanet 140162, MedGen C0027672, MeSH D009386, MONDO:0015356.
Familial cancer of breast. Also called: Hereditary breast cancer; BREAST CANCER, FAMILIAL; hereditary breast carcinoma. Identifiers: Orphanet 227535, MedGen C0346153, MONDO:0016419, OMIM 114480. Disease mechanism: loss of function.
Triple-negative breast cancer. Identifiers: MedGen C3539878.

Allele frequency attached by ClinVar (database versions not stated): gnomAD exomes below 0.00001; ExAC 0.00001.
gnomAD v4.1: 3 of 1,609,646 alleles (0.00019%); highest among the groups gnomAD compares: Middle Eastern, 0.017%; no homozygotes.

Submissions (3):

Labcorp Genetics (formerly Invitae), Labcorp
Classification: Uncertain significance for Familial cancer of breast. Last evaluated: 2025-05-27. Review status: criteria provided, single submitter. Criteria: Invitae Variant Classification Sherloc (09022015). Collection method: clinical testing. Allele origin: germline.
Comment: This sequence change replaces cysteine, which is neutral and slightly polar, with tyrosine, which is neutral and polar, at codon 362 of the CHEK2 protein (p.Cys362Tyr). This variant is present in population databases (rs767306337, gnomAD 0.003%). This missense change has been observed in individual(s) with a personal history of breast cancer, thyroid cancer, and bladder cancer (PMID: 26328243). This variant is also known as c.1214G>A (p.Cys405Tyr). ClinVar contains an entry for this variant (Variation ID: 218157). An algorithm developed to predict the effect of missense changes on protein structure and function (PolyPhen-2) suggests that this variant is likely to be disruptive. In summary, the available evidence is currently insufficient to determine the role of this variant in disease. Therefore, it has been classified as a Variant of Uncertain Significance.

Ambry Genetics
Classification: Uncertain significance for Hereditary cancer-predisposing syndrome. Last evaluated: 2021-03-10. Review status: criteria provided, single submitter. Criteria: Ambry Variant Classification Scheme 2023. Collection method: clinical testing. Allele origin: germline.
Comment: The p.C362Y variant (also known as c.1085G>A), located in coding exon 9 of the CHEK2 gene, results from a G to A substitution at nucleotide position 1085. The cysteine at codon 362 is replaced by tyrosine, an amino acid with highly dissimilar properties. This alteration, reported as NM_001005735.1:c.1214G>A, has been identified in a proband with a personal history of triple negative breast cancer, thyroid cancer and bladder cancer (Ollier M et al. Am J Cancer Res, 2015 Jun;5:2113-26). This amino acid position is highly conserved in available vertebrate species. In addition, this alteration is predicted to be deleterious by in silico analysis. Since supporting evidence is limited at this time, the clinical significance of this alteration remains unclear.

Molecular Oncology Laboratory, Centre Jean Perrin
Classification: association for Triple-negative breast cancer. Last evaluated: 2015-02-26. Review status: no assertion criteria provided. Collection method: case-control. Allele origin: germline. Affected: yes. Observed: 1 variant allele. Study: New genes of triple-negative familial non-BRCA1/2 breast cancer susceptibility give insights for targeted therapies. Not counted in ClinVar's aggregate classification.

Literature cited by the submitters: PubMed 26328243 (cited by 3 submitters).